The following is an entry in ClinVar:

ClinVar aggregate classification (germline): Pathogenic. Review status: reviewed by expert panel (3 of 4 stars). 17 submissions from 16 submitters: Pathogenic (1). 16 of the submissions do not count toward it. Last evaluated 2023-02-18.
ClinVar aggregate classification (oncogenicity): Oncogenic. Review status: criteria provided, single submitter (1 of 4 stars). 2 submissions from 2 submitters. 1 of the submissions does not count toward it. Last evaluated 2026-10-16.

Conditions:
Hepatocellular carcinoma (HCC). Also called: Primary carcinoma of liver; HEPATOMA; LIVER CELL CARCINOMA. Identifiers: Orphanet 88673, MedGen C2239176, MONDO:0007256, OMIM 114550, HP:0001402.
Gastric cancer. Also called: Malignant tumor of stomach; Stomach cancer. Identifiers: MedGen C0024623, MeSH D013274, MONDO:0001056, OMIM 613659, HP:0012126.
Colorectal cancer. Also called: Malignant Colorectal Neoplasm; Colorectal cancer, somatic. Identifiers: MedGen C0346629, MONDO:0005575, OMIM 114500.
Desmoid disease, hereditary (DESMD). Also called: FIBROMATOSIS, FAMILIAL INFILTRATIVE. Identifiers: Orphanet 873, MedGen C1851124, OMIM 135290. Disease mechanism: loss of function.
Gastric adenocarcinoma and proximal polyposis of the stomach (GAPPS). Also called: Gastric Adenocarcinoma and Proximal Polyposis of the Stomach (GAPPS); Polyposis, gastric, Dos Santos and de Magalhaes 1980; POLYPOSIS, GASTRIC. Identifiers: Orphanet 314022, MedGen C4749917, MONDO:0017790, OMIM 619182.
Familial adenomatous polyposis 1 (FAP1). Also called: FAMILIAL ADENOMATOUS POLYPOSIS 1, ATTENUATED; POLYPOSIS, ADENOMATOUS INTESTINAL. Identifiers: MedGen C2713442, MONDO:0021056, OMIM 175100. Disease mechanism: loss of function.
Carcinoma of colon (CRC). Also called: Colonic carcinoma; Colon carcinoma. Identifiers: MedGen C0699790, MONDO:0002032.
Neoplasm of stomach. Also called: Neoplasm of the stomach; Stomach Neoplasms; Gastric neoplasm. Identifiers: MedGen C0038356, MONDO:0021085, HP:0006753. Disease mechanism: gain of function. Inheritance: Somatic mutation.
Hereditary cancer-predisposing syndrome. Also called: Neoplastic Syndromes, Hereditary; Hereditary Cancer Syndrome; Tumor predisposition; Hereditary neoplastic syndrome. Identifiers: Orphanet 140162, MedGen C0027672, MeSH D009386, MONDO:0015356.
Familial multiple polyposis syndrome (FAP). Also called: Familial intestinal polyposis; Classic familial adenomatous polyposis; Familial polyposis; Familial Adenomatous Polyposis (FAP); Familial adenomatous polyposis. Identifiers: Orphanet 733, MedGen C0032580, MONDO:0021055. Disease mechanism: loss of function.
Neoplasm. Also called: tumor; Neoplasms; Neoplasm (disease). Identifiers: MedGen C0027651, MeSH D009369, MONDO:0005070, HP:0002664.

gnomAD v4.1: 4 of 1,610,912 alleles (0.00025%); highest among the groups gnomAD compares: Non-Finnish European, 0.00034%; no homozygotes.

Submissions 1 to 8 of 19:

ClinGen InSiGHT Hereditary Colorectal Cancer/Polyposis Variant Curation Expert Panel
Classification: Pathogenic for Familial adenomatous polyposis 1. Last evaluated: 2023-02-18. Review status: reviewed by expert panel. Criteria: ClinGen InSiGHT HCCP VCEP ACMG Specifications APC V1. Collection method: curation. Allele origin: germline. Inheritance: Autosomal dominant inheritance.
Comment: The c.847C>T (p.Arg283*) variant in APC is a nonsense variant located between codon 49 and 2645 and predicted to cause a premature stop codon in exon 9 in a gene in which loss-of-function is an established disease mechanism (PVS1). This variant has been reported in 15 probands meeting 8 phenotype points. In addition, this variant is also reported in 50 probands with FAP not otherwise specified, meeting more than 16 phenotype points in total (PS4_VeryStrong; PMIDs 30897307, 20924072, 20685668, 10768871, 9950360, 12901799, 11857735, 26625971, 23159591, Bonn internal data). The variant has been reported to segregate with FAP in 5 meioses from 1 family and in 31 members from 1 large FAP family (PP1_Strong; PMID: 12901799, Bonn internal data). The variant is not reported in gnomAD (PM2_Supporting). In summary, this variant meets the criteria to be classified as Pathogenic for FAP based on the ACMG/AMP criteria applied, as specified by the ClinGen InSiGHT Hereditary Colorectal Cancer/Polyposis Variant Curation Expert Panel: PVS1, PS4_VeryStrong, PM2_Supporting and PP1_Strong (VCEP specifications version 1; date of approval: 12/12/2022).

Center for Genomic Medicine, Rigshospitalet, Copenhagen University Hospital
Classification: Oncogenic for Neoplasm. Last evaluated: 2026-10-16. Review status: criteria provided, single submitter. Criteria: ClinGen/CGC/VICC Guidelines for Oncogenicity, 2022. Collection method: clinical testing. Allele origin: somatic. Affected: yes.

Institute of Human Genetics, Heidelberg University
Classification: Pathogenic for Familial adenomatous polyposis 1. Last evaluated: 2026-06-01. Review status: criteria provided, single submitter. Criteria: ACMG Guidelines, 2015. Collection method: clinical testing. Allele origin: paternal. Affected: no. Observed: 2 variant alleles. Not counted in ClinVar's aggregate classification.
Comment: PVS_vs, PM2_supp, PP1_strong, PS4_vs

Labcorp Genetics (formerly Invitae), Labcorp
Classification: Pathogenic for Familial adenomatous polyposis 1. Last evaluated: 2025-12-31. Review status: criteria provided, single submitter. Criteria: Invitae Variant Classification Sherloc (09022015). Collection method: clinical testing. Allele origin: germline. Not counted in ClinVar's aggregate classification.
Comment: This sequence change creates a premature translational stop signal (p.Arg283*) in the APC gene. It is expected to result in an absent or disrupted protein product. Loss-of-function variants in APC are known to be pathogenic (PMID: 17963004, 20685668). This variant is not present in population databases (gnomAD no frequency). This premature translational stop signal has been observed in individual(s) with familial adenomatous polyposis (PMID: 8187091, 9950360, 12901799, 20223039, 20685668). It has also been observed to segregate with disease in related individuals. ClinVar contains an entry for this variant (Variation ID: 184999). For these reasons, this variant has been classified as Pathogenic.

GeneKor MSA
Classification: Pathogenic for Hereditary cancer-predisposing syndrome. Last evaluated: 2025-06-25. Review status: criteria provided, single submitter. Criteria: ACMG Guidelines, 2015. Collection method: clinical testing. Allele origin: germline. Not counted in ClinVar's aggregate classification.
Comment: This variant is a single base substitution at nucleotide position 847 of the APC gene, replacing Arginine with a termination stop signal at codon 283. This results in the production of a truncated, non-functional protein. Truncating variants in APC are known to be pathogenic (PMID:17963004, 20685668). This variant is present in population databases (rs786201856). ClinVar contains entries for this variant (VCV000184999.36) and it has been reported in patients with familial adenomatous polyposis (FAP) (PMID:8187091, 9950360, 12901799, 20223039, 20685668). Based on the classification criteria set by the ACMG and AMP, this variant has been classified as pathogenic.

Quest Diagnostics Nichols Institute San Juan Capistrano
Classification: Pathogenic. Last evaluated: 2024-06-06. Review status: criteria provided, single submitter. Criteria: Quest Diagnostics criteria. Collection method: clinical testing. Allele origin: unknown. Not counted in ClinVar's aggregate classification.
Comment: The APC c.847C>T (p.Arg283*) variant causes the premature termination of APC protein synthesis. This variant has been reported in the published literature in multiple individuals/families with FAP (PMIDs: 37577746 (2023), 33309985 (2020), 12901799 (2003), 30897307 (2019), 9950360 (1999), 8162022 (1994), 1338764 (1992)) and endometrial cancer (PMID: 27443514 (2016)). This variant has not been reported in large, multi-ethnic general populations (Genome Aggregation Database). Based on the available information, this variant is classified as pathogenic.

Fulgent Genetics
Classification: Pathogenic for Colorectal cancer; Hepatocellular carcinoma; Desmoid disease, hereditary; Familial adenomatous polyposis 1; Gastric cancer; Gastric adenocarcinoma and proximal polyposis of the stomach. Last evaluated: 2024-05-23. Review status: criteria provided, single submitter. Criteria: ACMG Guidelines, 2015. Collection method: clinical testing. Allele origin: germline. Not counted in ClinVar's aggregate classification.

Color Diagnostics, LLC DBA Color Health
Classification: Pathogenic for Hereditary cancer-predisposing syndrome. Last evaluated: 2024-02-26. Review status: criteria provided, single submitter. Criteria: ACMG Guidelines, 2015. Collection method: clinical testing. Allele origin: germline. Not counted in ClinVar's aggregate classification.
Comment: This variant changes 1 nucleotide in exon 9 of the APC gene, creating a premature translation stop signal. This variant is expected to result in an absent or non-functional protein product. This variant has been reported in individuals affected with familial adenomatous polyposis or attenuated familial adenomatous polyposis (PMID: 8162022, 20223039, 20924072, 23561487, 30897307). This variant has not been identified in the general population by the Genome Aggregation Database (gnomAD). Loss of APC function is a known mechanism of disease. Based on the available evidence, this variant is classified as Pathogenic.

NM_000038.6(APC):c.847C>T (p.Arg283Ter)

Gene: APC (APC regulator of Wnt signaling pathway; plus strand). Cytogenetic location: 5q22.2.
Variant type: single nucleotide variant.
Coding change: c.847C>T on transcript NM_000038.6 (MANE Select); coding-DNA position 847, C replaced by T.
Protein change: p.Arg283Ter; replaces arginine 283 with a stop codon.
Molecular consequence: nonsense. On other transcripts: 5 prime UTR variant (1).
Genome position (GRCh38, 1-based): chr5:112,815,507, C>T. VCF-style: chr5-112815507-C-T. GRCh37 (hg19) VCF-style: chr5-112151204-C-T.
Other names: NM_000038.6(APC):c.847C>T; p.Arg283Ter; c.847C>T, p.Arg283Ter (NM_001127510.3, NM_001354895.2, NM_001354896.2 and 1 more transcripts); c.793C>T, p.Arg265Ter (NM_001127511.3); c.877C>T, p.Arg293Ter (NM_001354897.2, NM_001354902.2); c.772C>T, p.Arg258Ter (NM_001354898.2, NM_001354904.2); c.763C>T, p.Arg255Ter (NM_001354899.2); c.670C>T, p.Arg224Ter (NM_001354900.2, NM_001354901.2, NM_001354905.2); and 1 more; short protein forms R265*, R283*, R255*, R224*, R258*, R293*.
Identifiers: ClinVar variation 184999 (VCV000184999.40), dbSNP rs786201856, ClinGen allele CA015543.